The following is an entry in ClinVar:

ClinVar aggregate classification (germline): Benign/Likely benign. Review status: criteria provided, multiple submitters, no conflicts (2 of 4 stars). 3 submissions from 3 submitters: Benign (1); Likely benign (1). 1 of the submissions does not count toward it. Last evaluated 2024-10-11.

Conditions:
Hyperkalemic periodic paralysis. Also called: Familial hyperkalemic periodic paralysis; Gamstorp disease. Identifiers: Orphanet 682, MedGen C0238357, MONDO:0008224, OMIM 170500, HP:0007215.
SCN4A-related disorder. Also called: SCN4A-related disorders.

Allele frequency attached by ClinVar (database versions not stated): TOPMed 0.00002; 1000 Genomes Project 30x 0.00016; 1000 Genomes Project 0.00020.
gnomAD v4.1: 70 of 1,614,068 alleles (0.0043%); highest among the groups gnomAD compares: Non-Finnish European, 0.0057%; no homozygotes.

Submissions (3):

Labcorp Genetics (formerly Invitae), Labcorp
Classification: Likely benign for Hyperkalemic periodic paralysis. Last evaluated: 2024-10-11. Review status: criteria provided, single submitter. Criteria: Invitae Variant Classification Sherloc (09022015). Collection method: clinical testing. Allele origin: germline.

Athena Diagnostics
Classification: Benign. Last evaluated: 2018-12-26. Review status: criteria provided, single submitter. Criteria: Athena Diagnostics Criteria. Collection method: clinical testing. Allele origin: germline.

PreventionGenetics, part of Exact Sciences
Classification: Likely benign for SCN4A-related condition. Last evaluated: 2022-02-14. Review status: no assertion criteria provided. Collection method: clinical testing. Allele origin: germline. Not counted in ClinVar's aggregate classification.
Comment: This variant is classified as likely benign based on ACMG/AMP sequence variant interpretation guidelines (Richards et al. 2015 PMID: 25741868, with internal and published modifications).

NM_000334.4(SCN4A):c.4605G>C (p.Ser1535=)

Genes: GH-LCR (growth hormone locus control region; plus strand), SCN4A (sodium voltage-gated channel alpha subunit 4; minus strand). Cytogenetic location: 17q23.3.
Variant type: single nucleotide variant.
Coding change: c.4605G>C on transcript NM_000334.4 (MANE Select); coding-DNA position 4605, G replaced by C.
Protein change: p.Ser1535=; no amino-acid change (serine 1535 retained).
Molecular consequence: synonymous variant.
Genome position (GRCh38, 1-based): chr17:63,941,677, C>G on the plus strand (G>C on the coding strand, the complement: SCN4A is on the minus strand). VCF-style: chr17-63941677-C-G. GRCh37 (hg19) VCF-style: chr17-62019037-C-G.
Identifiers: ClinVar variation 774142 (VCV000774142.13), dbSNP rs182438287, ClinGen allele CA8708936.